The following is an entry in ClinVar:

NM_001142864.4(PIEZO1):c.7006C>T (p.Arg2336Trp)

Gene: PIEZO1 (piezo type mechanosensitive ion channel component 1 (Er blood group); minus strand). Cytogenetic location: 16q24.3.
Variant type: single nucleotide variant.
Coding change: c.7006C>T on transcript NM_001142864.4 (MANE Select); coding-DNA position 7006, C replaced by T.
Protein change: p.Arg2336Trp; replaces arginine 2336 with tryptophan.
Molecular consequence: missense variant.
Genome position (GRCh38, 1-based): chr16:88,716,404, G>A on the plus strand (C>T on the coding strand, the complement: PIEZO1 is on the minus strand). VCF-style: chr16-88716404-G-A. GRCh37 (hg19) VCF-style: chr16-88782812-G-A.
Other names: c.7006C>T (NM_001142864.3); short protein forms R2336W.
Identifiers: ClinVar variation 993859 (VCV000993859.16), dbSNP rs374203151, ClinGen allele CA8231436.

ClinVar aggregate classification (germline): Conflicting classifications of pathogenicity. Review status: criteria provided, conflicting classifications (1 of 4 stars). 6 submissions from 6 submitters: Uncertain significance (3); Benign (1); Likely benign (2). Last evaluated 2026-09-19.

Conditions:
Lymphatic malformation 6 (LMPHM6). Also called: PIEZO1-related generalized lymphatic dysplasia with non-immune hydrops fetalis; GENERALIZED LYMPHATIC DYSPLASIA OF FOTIOU; Lymphedema, hereditary, III. Identifiers: Orphanet 568062, MedGen C4225184, MONDO:0014797, OMIM 616843.
PIEZO1-related disorder. Also called: PIEZO1-Related Disorders; PIEZO1-related condition.

Allele frequency attached by ClinVar (database versions not stated): gnomAD exomes 0.00013 and 0.00018; ExAC 0.00024; 1000 Genomes Project 0.00040; ESP Exome Variant Server 0.00044; gnomAD 0.00050 and 0.00053; TOPMed 0.00055; 1000 Genomes Project 30x 0.00094.

Submissions (6):

GeneDx
Classification: Uncertain significance. Last evaluated: 2026-09-19. Review status: criteria provided, single submitter. Criteria: GeneDx Variant Classification Process June 2021. Collection method: clinical testing. Allele origin: germline.
Comment: Reported in the published literature in association with non-immune hydrops fetalis; however, detailed clinical information was not provided (PMID: 33027564, 37902181); In silico analysis supports that this missense variant has a deleterious effect on protein structure/function; This variant is associated with the following publications: (PMID: 33027564, 32981126, 37902181)

PreventionGenetics, part of Exact Sciences
Classification: Likely benign for PIEZO1-related condition. Last evaluated: 2025-11-12. Review status: criteria provided, single submitter. Criteria: ACMG Guidelines, 2015. Collection method: clinical testing. Allele origin: germline.
Comment: This variant is classified as likely benign based on ACMG/AMP sequence variant interpretation guidelines (Richards et al. 2015 PMID: 25741868, with internal and published modifications).

Labcorp Genetics (formerly Invitae), Labcorp
Classification: Benign. Last evaluated: 2025-06-13. Review status: criteria provided, single submitter. Criteria: Invitae Variant Classification Sherloc (09022015). Collection method: clinical testing. Allele origin: germline.

Clinical Genomics Laboratory, Washington University in St. Louis
Classification: Uncertain significance for Lymphatic malformation 6. Last evaluated: 2025-02-13. Review status: criteria provided, single submitter. Criteria: ACMG Guidelines, 2015. Collection method: clinical testing. Allele origin: germline.
Comment: A PIEZO1c.7006C>T (p.Arg2336Trp) variant was identified at a near heterozygous allelic fraction of 49.2%, a frequency which may be consistent with it being of germline origin. This variant has been reported in an individual affected with non-immune hydrops fetalis (Brewer CJ et al., PMID: 37902181). This variant has been reported in the ClinVar database as a germline variant of uncertain significance by three submitters (ClinVar Variation ID: 993859). It is observed on 258/1,548,986 alleles in the general population (gnomAD v.4.1.0). Computational predictors suggest that the variant does not impact PIEZO1 function. Due to limited information, and based on ACMG/AMP guidelines for variant interpretation (Richards S et al., PMID: 25741868), the clinical significance of the PIEZO1c.7006C>T (p.Arg2336Trp) variant is uncertain at this time.

Revvity Omics, Revvity
Classification: Likely benign. Last evaluated: 2024-03-12. Review status: criteria provided, single submitter. Criteria: ACMG Guidelines, 2015. Collection method: clinical testing. Allele origin: germline.

ARUP Laboratories, Molecular Genetics and Genomics, ARUP Laboratories
Classification: Uncertain significance. Last evaluated: 2019-11-20. Review status: criteria provided, single submitter. Criteria: ARUP Molecular Germline Variant Investigation Process. Collection method: clinical testing. Allele origin: germline.
Comment: The PIEZO1 c.7006C>T; p.Arg2336Trp variant (rs374203151), to our knowledge, is not reported in the medical literature or gene specific databases. This variant is found in the general population with an allele frequency of 0.024% (44/183,482 alleles) in the Genome Aggregation Database. The arginine at codon 2336 is weakly conserved, and computational analyses (SIFT: damaging, PolyPhen-2: benign) predict conflicting effects of this variant on protein structure/function. Due to limited information, the clinical significance of this variant is uncertain at this time.